The following is an entry in ClinVar:

NM_006947.4(SRP72):c.1941G>C (p.Gln647His)

Gene: SRP72 (signal recognition particle 72; plus strand). Cytogenetic location: 4q12.
Variant type: single nucleotide variant.
Coding change: c.1941G>C on transcript NM_006947.4 (MANE Select); coding-DNA position 1941, G replaced by C.
Protein change: p.Gln647His; replaces glutamine 647 with histidine.
Molecular consequence: missense variant. On other transcripts: non-coding transcript variant (1).
Genome position (GRCh38, 1-based): chr4:56,501,786, G>C. VCF-style: chr4-56501786-G-C. GRCh37 (hg19) VCF-style: chr4-57367952-G-C.
Other names: c.1758G>C, p.Gln586His (NM_001267722.2); short protein forms Q647H, Q586H.
Identifiers: ClinVar variation 4825779 (VCV004825779.1).

ClinVar aggregate classification (germline): Uncertain significance (1 of 4 stars; one submission).

Submission:

Ambry Genetics
Classification: Uncertain significance. Last evaluated: 2026-03-01. Review status: criteria provided, single submitter. Criteria: Ambry Variant Classification Scheme 2023. Collection method: clinical testing. Allele origin: germline.
Comment: The p.Q647H variant (also known as c.1941G>C), located in coding exon 19 of the SRP72 gene, results from a G to C substitution at nucleotide position 1941. The glutamine at codon 647 is replaced by histidine, an amino acid with highly similar properties. This amino acid position is conserved. In addition, the in silico prediction for this alteration is inconclusive. Based on the available evidence, the clinical significance of this variant remains unclear.